The following is an entry in ClinVar:

ClinVar aggregate classification (germline): Uncertain significance (1 of 4 stars; one submission).

Conditions:
Leber congenital amaurosis 3 (LCA3). Also called: SPATA7-Related Retinitis Pigmentosa. Identifiers: MedGen C1858677, MONDO:0011415, OMIM 604232.

Allele frequency attached by ClinVar (database versions not stated): gnomAD exomes below 0.00001; gnomAD 0.00001; TOPMed 0.00001; ESP Exome Variant Server 0.00008.
gnomAD v4.1: 2 of 1,613,944 alleles (0.00012%); highest among the groups gnomAD compares: Non-Finnish European, 0.00017%; no homozygotes.

Submission:

Labcorp Genetics (formerly Invitae), Labcorp
Classification: Uncertain significance for Leber congenital amaurosis 3. Last evaluated: 2024-10-22. Review status: criteria provided, single submitter. Criteria: Invitae Variant Classification Sherloc (09022015). Collection method: clinical testing. Allele origin: germline.
Comment: This sequence change replaces lysine, which is basic and polar, with asparagine, which is neutral and polar, at codon 573 of the SPATA7 protein (p.Lys573Asn). This variant is not present in population databases (gnomAD no frequency). This variant has not been reported in the literature in individuals affected with SPATA7-related conditions. ClinVar contains an entry for this variant (Variation ID: 1935179). Invitae Evidence Modeling of protein sequence and biophysical properties (such as structural, functional, and spatial information, amino acid conservation, physicochemical variation, residue mobility, and thermodynamic stability) indicates that this missense variant is not expected to disrupt SPATA7 protein function with a negative predictive value of 80%. In summary, the available evidence is currently insufficient to determine the role of this variant in disease. Therefore, it has been classified as a Variant of Uncertain Significance.

NM_018418.5(SPATA7):c.1719A>T (p.Lys573Asn)

Gene: SPATA7 (spermatogenesis associated 7; plus strand). Cytogenetic location: 14q31.3.
Variant type: single nucleotide variant.
Coding change: c.1719A>T on transcript NM_018418.5 (MANE Select); coding-DNA position 1719, A replaced by T.
Protein change: p.Lys573Asn; replaces lysine 573 with asparagine.
Molecular consequence: missense variant.
Genome position (GRCh38, 1-based): chr14:88,438,341, A>T. VCF-style: chr14-88438341-A-T. GRCh37 (hg19) VCF-style: chr14-88904685-A-T.
Other names: c.1623A>T, p.Lys541Asn (NM_001040428.4); short protein forms K541N, K573N.
Identifiers: ClinVar variation 1935179 (VCV001935179.5), dbSNP rs145046180, ClinGen allele CA264545797.